The following is an entry in ClinVar:

NM_177972.3(TUB):c.1148G>A (p.Arg383Gln)

Genes: RIC3 (RIC3 acetylcholine receptor chaperone; minus strand), TUB (TUB bipartite transcription factor; plus strand). Cytogenetic location: 11p15.4.
Variant type: single nucleotide variant.
Coding change: c.1148G>A on transcript NM_177972.3 (MANE Select); coding-DNA position 1148, G replaced by A.
Protein change: p.Arg383Gln; replaces arginine 383 with glutamine.
Molecular consequence: missense variant.
Genome position (GRCh38, 1-based): chr11:8,100,534, G>A. VCF-style: chr11-8100534-G-A. GRCh37 (hg19) VCF-style: chr11-8122081-G-A.
Other names: c.1313G>A, p.Arg438Gln (NM_003320.5); short protein forms R438Q, R383Q.
Identifiers: ClinVar variation 3464308 (VCV003464308.2).
Genomic context (GRCh38, chr11:8,100,534, plus strand): 5'-GGTGGCCAGTGTTGCGTTCTCTTTCCCAGGAGACAAACGTCTTAGGCTTCAAGGGGCCTC[G>A]GAAGATGAGCGTGATTGTCCCAGGCATGAACATGGTTCATGAGAGAGTCTCTATCCGCCC-3'
Protein context (NP_813977.1, residues 373-393): ETNVLGFKGP[Arg383Gln]KMSVIVPGMN

ClinVar aggregate classification (germline): Uncertain significance. Review status: criteria provided, multiple submitters, no conflicts (2 of 4 stars). 2 submissions from 2 submitters: Uncertain significance (2). Last evaluated 2026-02-17.

Conditions:
TUB-related disorder. Also called: TUB-related condition.

gnomAD v4.1: 16 of 1,613,984 alleles (0.00099%); highest among the groups gnomAD compares: African/African-American, 0.0027%; no homozygotes.

Submissions (2):

PreventionGenetics, part of Exact Sciences
Classification: Uncertain significance for TUB-related condition. Last evaluated: 2026-02-17. Review status: criteria provided, single submitter. Criteria: ACMG Guidelines, 2015. Collection method: clinical testing. Allele origin: germline.
Comment: The TUB c.1313G>A variant is predicted to result in the amino acid substitution p.Arg438Gln. To our knowledge, this variant has not been reported in the literature. This variant is reported in 0.00088% of alleles in individuals of European (Non-Finnish) descent in gnomAD. At this time, the clinical significance of this variant is uncertain due to the absence of conclusive functional and genetic evidence.

Ambry Genetics
Classification: Uncertain significance. Last evaluated: 2024-12-03. Review status: criteria provided, single submitter. Criteria: Ambry Variant Classification Scheme 2023. Collection method: clinical testing. Allele origin: germline.